The following is an entry in ClinVar:

ClinVar aggregate classification (germline): Uncertain significance (1 of 4 stars; one submission).

gnomAD v4.1: 3 of 1,614,088 alleles (0.00019%); highest among the groups gnomAD compares: African/African-American, 0.0013%; no homozygotes.

Submission:

Dasa
Classification: Uncertain significance. Last evaluated: 2025-08-27. Review status: criteria provided, single submitter. Criteria: DASA Assertion Criteria. Collection method: clinical testing. Allele origin: germline.
Comment: NM_052845.4(MMAB):c.323A>G (p.His108Arg) is a missense variant that results in the substitution of histidine with arginine. This variant has been observed in affected individuals with MMAB-related disorders. Also, this variant is rare in population databases. The currently available literature and clinical evidence are not sufficient to establish a definitive association between this variant and the reported condition. Therefore, this variant is classified as a variant of uncertain significance.

NM_052845.4(MMAB):c.323A>G (p.His108Arg)

Gene: MMAB (metabolism of cobalamin associated B; minus strand). Cytogenetic location: 12q24.11.
Variant type: single nucleotide variant.
Coding change: c.323A>G on transcript NM_052845.4 (MANE Select); coding-DNA position 323, A replaced by G.
Protein change: p.His108Arg; replaces histidine 108 with arginine.
Molecular consequence: missense variant. On other transcripts: non-coding transcript variant (1).
Genome position (GRCh38, 1-based): chr12:109,565,144, T>C on the plus strand (A>G on the coding strand, the complement: MMAB is on the minus strand). VCF-style: chr12-109565144-T-C. GRCh37 (hg19) VCF-style: chr12-110002949-T-C.
Other names: short protein forms H108R.
Identifiers: ClinVar variation 4885751 (VCV004885751.2).